The following is an entry in ClinVar:

ClinVar aggregate classification (germline): Uncertain significance (1 of 4 stars; one submission).

Conditions:
Early-infantile DEE. Also called: Early infantile epileptic encephalopathy; Early infantile epileptic encephalopathy with suppression bursts; Ohtahara syndrome. Identifiers: Orphanet 1934, MedGen C0393706, MONDO:0800491.

Submission:

Labcorp Genetics (formerly Invitae), Labcorp
Classification: Uncertain significance for Early-infantile DEE. Last evaluated: 2025-12-09. Review status: criteria provided, single submitter. Criteria: Invitae Variant Classification Sherloc (09022015). Collection method: clinical testing. Allele origin: germline.
Comment: This sequence change replaces aspartic acid, which is acidic and polar, with glutamic acid, which is acidic and polar, at codon 2012 of the SPTAN1 protein (p.Asp2012Glu). This variant is not present in population databases (gnomAD no frequency). This variant has not been reported in the literature in individuals affected with SPTAN1-related conditions. Invitae Evidence Modeling of protein sequence and biophysical properties (such as structural, functional, and spatial information, amino acid conservation, physicochemical variation, residue mobility, and thermodynamic stability) has been performed for this missense variant. However, the output from this modeling did not meet the statistical confidence thresholds required to predict the impact of this variant on SPTAN1 protein function. In summary, the available evidence is currently insufficient to determine the role of this variant in disease. Therefore, it has been classified as a Variant of Uncertain Significance.

NM_001130438.3(SPTAN1):c.6036C>A (p.Asp2012Glu)

Gene: SPTAN1 (spectrin alpha, non-erythrocytic 1; plus strand). Cytogenetic location: 9q34.11.
Variant type: single nucleotide variant.
Coding change: c.6036C>A on transcript NM_001130438.3 (MANE Select); coding-DNA position 6036, C replaced by A.
Protein change: p.Asp2012Glu; replaces aspartic acid 2012 with glutamic acid.
Molecular consequence: missense variant.
Genome position (GRCh38, 1-based): chr9:128,625,146, C>A. VCF-style: chr9-128625146-C-A. GRCh37 (hg19) VCF-style: chr9-131387425-C-A.
Other names: c.5961C>A, p.Asp1987Glu (NM_001195532.2, NM_001438441.1, NM_001438444.1); c.6036C>A, p.Asp2012Glu (NM_001363759.2, NM_001375310.1, NM_001375311.2 and 1 more transcripts); c.5976C>A, p.Asp1992Glu (NM_001363765.2, NM_001375314.2, NM_001438442.1); c.6072C>A, p.Asp2024Glu (NM_001375312.2, NM_001375318.1, NM_001438440.1); c.6021C>A, p.Asp2007Glu (NM_001438443.1, NM_001438445.1, NM_003127.4); short protein forms D1987E, D1992E, D2007E, D2012E, D2024E.
Identifiers: ClinVar variation 4801859 (VCV004801859.1).
Genomic context (GRCh38, chr9:128,625,146, plus strand): 5'-CACACTTCGTTTTCTAGGTGAAAAGGAGAACAGCTTGAAGACAGATGATTATGGCCGAGA[C>A]CTGTCTTCTGTGCAGACGCTCCTCACCAAACAGGTCTGCCCTGGCCCCTTCACTGGTTGA-3'
Protein context (NP_001123910.1, residues 2002-2022): NSLKTDDYGR[Asp2012Glu]LSSVQTLLTK